The following is an entry in ClinVar:

NM_000154.2(GALK1):c.83_84dup (p.Glu29fs)

Gene: GALK1 (galactokinase 1; minus strand). Cytogenetic location: 17q25.1.
Variant type: Duplication.
Coding change: c.83_84dup on transcript NM_000154.2 (MANE Select); coding-DNA positions 83 to 84, 2 bases duplicated (CC; older notation c.83_84dupCC).
Protein change: p.Glu29fs; shifts the reading frame from glutamic acid 29.
Molecular consequence: frameshift variant.
Genome position (GRCh38, 1-based): chr17:75,765,053-75,765,054, GG duplicated on the plus strand (CC on the coding strand, the reverse complement: GALK1 is on the minus strand); duplicating any 2 consecutive bases within chr17:75,765,053-75,765,055 gives the same sequence; the c. name uses the placement nearest the transcript's 3' end. VCF-style (leftmost placement, unchanged base first): chr17-75765052-C-CGG. GRCh37 (hg19) VCF-style: chr17-73761133-C-CGG.
Other names: c.83_84dup, p.Glu29fs (NM_001381985.1); short protein forms E29fs.
Identifiers: ClinVar variation 2768657 (VCV002768657.3), dbSNP rs2545905243, ClinGen allele CA2697555255.
Genomic context (GRCh38, chr17:75,765,052, plus strand): 5'-GGTTGTAGTCCGTGTGTTCCCCGATGAGGTTGACGCGGCCCGGCGCTGACACGGCCAGCT[C>CGG]GGGCTCGGCCCCGAACTCCTCCCGGAAGGCTCGCCGGGCCTCGGCCAGCAGCTCCGCGAC-3'

ClinVar aggregate classification (germline): Pathogenic (1 of 4 stars; one submission).

Conditions:
Deficiency of galactokinase. Also called: GALACTOSEMIA II; Galactokinase deficiency with cataracts. Identifiers: Orphanet 352, Orphanet 79237, MedGen C0268155, MONDO:0009255, OMIM 230200.

Submission:

Labcorp Genetics (formerly Invitae), Labcorp
Classification: Pathogenic for Deficiency of galactokinase. Last evaluated: 2023-10-15. Review status: criteria provided, single submitter. Criteria: Invitae Variant Classification Sherloc (09022015). Collection method: clinical testing. Allele origin: germline.
Comment: This sequence change creates a premature translational stop signal (p.Glu29Profs*33) in the GALK1 gene. It is expected to result in an absent or disrupted protein product. Loss-of-function variants in GALK1 are known to be pathogenic (PMID: 7670469, 10790206). This variant is not present in population databases (gnomAD no frequency). This variant has not been reported in the literature in individuals affected with GALK1-related conditions. For these reasons, this variant has been classified as Pathogenic.

Literature cited by the submitters: PubMed 7670469; PubMed 10790206.